The following is an entry in ClinVar:

ClinVar aggregate classification (germline): Uncertain significance (1 of 4 stars; one submission).

Submission:

Labcorp Genetics (formerly Invitae), Labcorp
Classification: Uncertain significance. Last evaluated: 2025-04-21. Review status: criteria provided, single submitter. Criteria: Invitae Variant Classification Sherloc (09022015). Collection method: clinical testing. Allele origin: germline.
Comment: This sequence change replaces isoleucine, which is neutral and non-polar, with asparagine, which is neutral and polar, at codon 141 of the GNA11 protein (p.Ile141Asn). This variant is not present in population databases (gnomAD no frequency). This variant has not been reported in the literature in individuals affected with GNA11-related conditions. ClinVar contains an entry for this variant (Variation ID: 2831550). Invitae Evidence Modeling of protein sequence and biophysical properties (such as structural, functional, and spatial information, amino acid conservation, physicochemical variation, residue mobility, and thermodynamic stability) indicates that this missense variant is expected to disrupt GNA11 protein function with a positive predictive value of 80%. In summary, the available evidence is currently insufficient to determine the role of this variant in disease. Therefore, it has been classified as a Variant of Uncertain Significance.

NM_002067.5(GNA11):c.422T>A (p.Ile141Asn)

Gene: GNA11 (G protein subunit alpha 11; plus strand). Cytogenetic location: 19p13.3.
Variant type: single nucleotide variant.
Coding change: c.422T>A on transcript NM_002067.5 (MANE Select); coding-DNA position 422, T replaced by A.
Protein change: p.Ile141Asn; replaces isoleucine 141 with asparagine.
Molecular consequence: missense variant.
Genome position (GRCh38, 1-based): chr19:3,113,430, T>A. VCF-style: chr19-3113430-T-A. GRCh37 (hg19) VCF-style: chr19-3113428-T-A.
Other names: short protein forms I141N.
Identifiers: ClinVar variation 2831550 (VCV002831550.3), dbSNP rs1913828183, ClinGen allele CA403306244.